The following is an entry in ClinVar:

NM_005219.5(DIAPH1):c.621-7T>C

Gene: DIAPH1 (diaphanous related formin 1; minus strand). Cytogenetic location: 5q31.3.
Variant type: single nucleotide variant.
Coding change: c.621-7T>C on transcript NM_005219.5 (MANE Select); 7 bases into the intron before coding-DNA position 621, T replaced by C.
Molecular consequence: intron variant.
Genome position (GRCh38, 1-based): chr5:141,582,382, A>G on the plus strand (T>C on the coding strand, the complement: DIAPH1 is on the minus strand). VCF-style: chr5-141582382-A-G. GRCh37 (hg19) VCF-style: chr5-140961949-A-G.
Other names: c.594-7T>C (NM_001079812.3); c.621-7T>C (NM_001314007.2).
Identifiers: ClinVar variation 163076 (VCV000163076.4), dbSNP rs727502963, ClinGen allele CA175669.
Genomic context (GRCh38, chr5:141,582,382, plus strand): 5'-ATAAAAGCTTTCAAGCAGCGAATGATCTCATGCTTGTTCCGGCTATCGTAACTCCTGTAT[A>G]TAGAAGACATAATCAGTGAGGTCCCTTTATTCTCTACCCCTTTCCCATTTTTAATCTTGC-3'

ClinVar aggregate classification (germline): Likely benign (1 of 4 stars; one submission).

Allele frequency attached by ClinVar (database versions not stated): gnomAD exomes below 0.00001; gnomAD 0.00001.
gnomAD v4.1: 2 of 1,605,510 alleles (0.00012%); highest among the groups gnomAD compares: South Asian, 0.0022%; no homozygotes.

Submission:

Laboratory for Molecular Medicine, Mass General Brigham Personalized Medicine
Classification: Likely benign. Last evaluated: 2013-06-18. Review status: criteria provided, single submitter. Criteria: LMM Criteria. Collection method: clinical testing. Allele origin: germline. Observed: 1 variant allele.
Comment: 621-7T>C in intron 6 of DIAPH1: This variant is not expected to have clinical si gnificance due to a lack of conservation of this position across species, includ ing mammals.